The following is an entry in ClinVar:

NM_001557.4(CXCR2):c.863G>A (p.Arg288His)

Gene: CXCR2 (C-X-C motif chemokine receptor 2; plus strand). Cytogenetic location: 2q35.
Variant type: single nucleotide variant.
Coding change: c.863G>A on transcript NM_001557.4 (MANE Select); coding-DNA position 863, G replaced by A.
Protein change: p.Arg288His; replaces arginine 288 with histidine.
Molecular consequence: missense variant.
Genome position (GRCh38, 1-based): chr2:218,135,664, G>A. VCF-style: chr2-218135664-G-A. GRCh37 (hg19) VCF-style: chr2-219000387-G-A.
Other names: c.863G>A, p.Arg288His (NM_001168298.2); short protein forms R288H.
Identifiers: ClinVar variation 1440981 (VCV001440981.3), dbSNP rs199642674, ClinGen allele CA2101796.

ClinVar aggregate classification (germline): Uncertain significance (1 of 4 stars; one submission).

Allele frequency attached by ClinVar (database versions not stated): TOPMed 0.00011; gnomAD exomes 0.00014 and 0.00019; gnomAD 0.00015 and 0.00016; 1000 Genomes Project 30x 0.00016; 1000 Genomes Project 0.00020; ExAC 0.00028.
gnomAD v4.1: 232 of 1,614,002 alleles (0.014%); highest among the groups gnomAD compares: South Asian, 0.018%; 1 homozygote.

Submission:

Labcorp Genetics (formerly Invitae), Labcorp
Classification: Uncertain significance. Last evaluated: 2022-08-19. Review status: criteria provided, single submitter. Criteria: Invitae Variant Classification Sherloc (09022015). Collection method: clinical testing. Allele origin: germline.
Comment: This sequence change replaces arginine, which is basic and polar, with histidine, which is basic and polar, at codon 288 of the CXCR2 protein (p.Arg288His). This variant is present in population databases (rs199642674, gnomAD 0.08%), and has an allele count higher than expected for a pathogenic variant. This variant has not been reported in the literature in individuals affected with CXCR2-related conditions. ClinVar contains an entry for this variant (Variation ID: 1440981). Algorithms developed to predict the effect of missense changes on protein structure and function are either unavailable or do not agree on the potential impact of this missense change (SIFT: "Tolerated"; PolyPhen-2: "Probably Damaging"; Align-GVGD: "Class C0"). In summary, the available evidence is currently insufficient to determine the role of this variant in disease. Therefore, it has been classified as a Variant of Uncertain Significance.